The following is an entry in ClinVar:

NM_004409.5(DMPK):c.*224CTG[90]

Genes: DM1-AS (DM1 locus antisense RNA; plus strand), DMPK (DM1 protein kinase; minus strand), LOC107075317 (origin of replication in DMPK trinucleotide repeat region; plus strand), LOC109461477 (dystrophia myotonica protein kinase repeat instability region; plus strand). Cytogenetic location: 19q13.32.
Variant type: Microsatellite.
Coding change: c.*224CTG[90] on transcript NM_004409.5 (MANE Select); 90 copies in a row of the 3-base unit CTG starting at c.*224.
Molecular consequence: 3 prime UTR variant.
Genome position: GRCh38, VCF-style position (the base before the change): chr19:45,770,204. GRCh37 (hg19), VCF-style position (the base before the change): chr19:46,273,462.
Other names: c.*224CTG[90] (NM_001081560.3, NM_001288764.2, NM_001424165.1 and 1 more transcripts); c.*217CTG[90] (NM_001081562.3, NM_001288765.2, NM_001424162.1 and 2 more transcripts); c.*222_*224TGC[90] (NM_001081563.3); c.*369CTG[90] (NM_001288766.2, NM_001424164.1, NM_001424168.1).
Identifiers: ClinVar variation 523761 (VCV000523761.2), ClinGen allele CA915951871.

ClinVar aggregate classification (germline): Pathogenic (0 of 4 stars; one submission).

Conditions:
Steinert myotonic dystrophy syndrome (DM1). Also called: STEINERT DISEASE; Myotonic dystrophy type 1; Dystrophia myotonica type 1; Steinert myotonic dystrophy; Steinert's disease. Identifiers: Orphanet 273, MedGen C3250443, MONDO:0008056, OMIM 160900.

Submission:

Institute of Molecular, Cell and Systems Biology, University of Glasgow
Classification: Pathogenic for Steinert myotonic dystrophy syndrome. Last evaluated: 2018-03-14. Review status: no assertion criteria provided. Collection method: research. Allele origin: inherited. Inheritance: Autosomal dominant inheritance. Affected: yes. Observed: 1 variant allele.
Comment: DMPK CTG repeat expansions greater than approximately 45-50 repeats are assumed to be pathogenic

Literature cited by the submitters: PubMed 29967337; PubMed 1346923; PubMed 1546326.